The following is an entry in ClinVar:

ClinVar aggregate classification (germline): Uncertain significance. Review status: criteria provided, single submitter (1 of 4 stars). 2 submissions from 2 submitters: Uncertain significance (1). 1 of the submissions does not count toward it. Last evaluated 2022-07-19.

Conditions:
Usher syndrome type 2A. Also called: USHER SYNDROME, TYPE IIA; RETINAL DISEASE IN USHER SYNDROME TYPE IIA, MODIFIER OF. Identifiers: Orphanet 231178, Orphanet 886, MedGen C1848634, MONDO:0010169, OMIM 276901.

Submissions (2):

Labcorp Genetics (formerly Invitae), Labcorp
Classification: Uncertain significance. Last evaluated: 2022-07-19. Review status: criteria provided, single submitter. Criteria: Invitae Variant Classification Sherloc (09022015). Collection method: clinical testing. Allele origin: germline.
Comment: In summary, the available evidence is currently insufficient to determine the role of this variant in disease. Therefore, it has been classified as a Variant of Uncertain Significance. Experimental studies and prediction algorithms are not available or were not evaluated, and the functional significance of this variant is currently unknown. ClinVar contains an entry for this variant (Variation ID: 1443420). This variant has not been reported in the literature in individuals affected with USH2A-related conditions. This variant is present in population databases (rs755325541, gnomAD 0.0009%). This variant, c.7468_7470del, results in the deletion of 1 amino acid(s) of the USH2A protein (p.Ser2490del), but otherwise preserves the integrity of the reading frame.

Natera, Inc.
Classification: Uncertain significance for Usher syndrome type 2A. Last evaluated: 2025-03-11. Review status: no assertion criteria provided. Collection method: clinical testing. Allele origin: germline. Not counted in ClinVar's aggregate classification.

NM_206933.4(USH2A):c.7468_7470del (p.Ser2490del)

Gene: USH2A (usherin; minus strand). Cytogenetic location: 1q41.
Variant type: Deletion.
Coding change: c.7468_7470del on transcript NM_206933.4 (MANE Select); coding-DNA positions 7468 to 7470, 3 bases deleted (TCT; older notation c.7468_7470delTCT).
Protein change: p.Ser2490del; deletes serine 2490.
Molecular consequence: inframe deletion.
Genome position (GRCh38, 1-based): chr1:215,900,199-215,900,201, AGA deleted on the plus strand (TCT on the coding strand, the reverse complement: USH2A is on the minus strand); deleting any 3 consecutive bases within chr1:215,900,199-215,900,203 gives the same sequence; the c. name uses the placement nearest the transcript's 3' end. VCF-style (leftmost placement, unchanged base first): chr1-215900198-CAGA-C. GRCh37 (hg19) VCF-style: chr1-216073540-CAGA-C.
Other names: c.7468_7470del (NM_206933.2); short protein forms S2490del.
Identifiers: ClinVar variation 1443420 (VCV001443420.8), dbSNP rs755325541, ClinGen allele CA1394831.